The following is an entry in ClinVar:

NM_012431.3(SEMA3E):c.1136C>G (p.Pro379Arg)

Gene: SEMA3E (semaphorin 3E; minus strand). Cytogenetic location: 7q21.11.
Variant type: single nucleotide variant.
Coding change: c.1136C>G on transcript NM_012431.3 (MANE Select); coding-DNA position 1136, C replaced by G.
Protein change: p.Pro379Arg; replaces proline 379 with arginine.
Molecular consequence: missense variant.
Genome position (GRCh38, 1-based): chr7:83,402,639, G>C on the plus strand (C>G on the coding strand, the complement: SEMA3E is on the minus strand). VCF-style: chr7-83402639-G-C. GRCh37 (hg19) VCF-style: chr7-83031955-G-C.
Other names: c.956C>G, p.Pro319Arg (NM_001178129.2); short protein forms P319R, P379R.
Identifiers: ClinVar variation 3347237 (VCV003347237.1).

ClinVar aggregate classification (germline): Uncertain significance (0 of 4 stars; one submission).

Conditions:
SEMA3E-related disorder. Also called: SEMA3E-related condition.

Submission:

PreventionGenetics, part of Exact Sciences
Classification: Uncertain significance for SEMA3E-related condition. Last evaluated: 2024-08-02. Review status: no assertion criteria provided. Collection method: clinical testing. Allele origin: germline.
Comment: The SEMA3E c.1136C>G variant is predicted to result in the amino acid substitution p.Pro379Arg. To our knowledge, this variant has not been reported in the literature or in a large population database, indicating this variant is rare. At this time, the clinical significance of this variant is uncertain due to the absence of conclusive functional and genetic evidence.